The following is an entry in ClinVar:

ClinVar aggregate classification (germline): Uncertain significance. Review status: criteria provided, multiple submitters, no conflicts (2 of 4 stars). 3 submissions from 3 submitters: Uncertain significance (3). Last evaluated 2024-07-31.

Conditions:
Autosomal recessive ataxia, Beauce type. Also called: SYNE1-Related Autosomal Recessive Cerebellar Ataxia; Spinocerebellar ataxia, autosomal recessive 8; ATAXIA, RECESSIVE, OF BEAUCE; SYNE1 Deficiency. Identifiers: Orphanet 88644, MedGen C1853116, MONDO:0012549, OMIM 610743.
Emery-Dreifuss muscular dystrophy 4, autosomal dominant (EDMD4). Also called: EMERY-DREIFUSS MUSCULAR DYSTROPHY 4 WITH VARIABLE FEATURES. Identifiers: Orphanet 261, MedGen C2751807, MONDO:0013071, OMIM 612998.

Allele frequency attached by ClinVar (database versions not stated): gnomAD 0.00001; ExAC 0.00002; gnomAD exomes 0.00002; TOPMed 0.00003; ESP Exome Variant Server 0.00008.
gnomAD v4.1: 54 of 1,613,804 alleles (0.0033%); highest among the groups gnomAD compares: Non-Finnish European, 0.0043%; no homozygotes.

Submissions (3):

Athena Diagnostics
Classification: Uncertain significance. Last evaluated: 2024-07-31. Review status: criteria provided, single submitter. Criteria: Athena Diagnostics Criteria. Collection method: clinical testing. Allele origin: unknown.
Comment: Available data are insufficient to determine the clinical significance of the variant at this time. The frequency of this variant in the general population is uninformative in assessment of its pathogenicity. Polyphen and MutationTaster predict this amino acid change may be benign.

Labcorp Genetics (formerly Invitae), Labcorp
Classification: Uncertain significance for Emery-Dreifuss muscular dystrophy 4, autosomal dominant; Autosomal recessive ataxia, Beauce type. Last evaluated: 2022-03-10. Review status: criteria provided, single submitter. Criteria: Invitae Variant Classification Sherloc (09022015). Collection method: clinical testing. Allele origin: germline.
Comment: This sequence change replaces methionine, which is neutral and non-polar, with leucine, which is neutral and non-polar, at codon 8257 of the SYNE1 protein (p.Met8257Leu). This variant is present in population databases (rs372305836, gnomAD 0.005%). This variant has not been reported in the literature in individuals affected with SYNE1-related conditions. ClinVar contains an entry for this variant (Variation ID: 538381). Algorithms developed to predict the effect of missense changes on protein structure and function are either unavailable or do not agree on the potential impact of this missense change (SIFT: "Deleterious"; PolyPhen-2: "Benign"; Align-GVGD: "Class C0"). In summary, the available evidence is currently insufficient to determine the role of this variant in disease. Therefore, it has been classified as a Variant of Uncertain Significance.

Revvity Omics, Revvity
Classification: Uncertain significance. Last evaluated: 2019-11-05. Review status: criteria provided, single submitter. Criteria: ACMG Guidelines, 2015. Collection method: clinical testing. Allele origin: germline.

NM_001347702.2(SYNE1):c.1447A>T (p.Met483Leu)

Gene: SYNE1 (spectrin repeat containing nuclear envelope protein 1; minus strand). Cytogenetic location: 6q25.2.
Variant type: single nucleotide variant.
Coding change: c.1447A>T on transcript NM_001347702.2 (MANE Plus Clinical); coding-DNA position 1447, A replaced by T.
Protein change: p.Met483Leu; replaces methionine 483 with leucine.
Molecular consequence: missense variant. On other transcripts: intron variant (2).
Genome position (GRCh38, 1-based): chr6:152,145,550, T>A on the plus strand (A>T on the coding strand, the complement: SYNE1 is on the minus strand). VCF-style: chr6-152145550-T-A. GRCh37 (hg19) VCF-style: chr6-152466685-T-A.
Other names: c.24769A>T, p.Met8257Leu (NM_033071.5); c.24977-1785A>T (NM_182961.4); c.1583-1785A>T (NM_001347701.2); short protein forms M8257L, M483L.
Identifiers: ClinVar variation 538381 (VCV000538381.10), dbSNP rs372305836, ClinGen allele CA4053026.